The following is an entry in ClinVar:

NM_021008.4(DEAF1):c.500C>A (p.Ala167Glu)

Gene: DEAF1 (DEAF1 transcription factor; minus strand). Cytogenetic location: 11p15.5.
Variant type: single nucleotide variant.
Coding change: c.500C>A on transcript NM_021008.4 (MANE Select); coding-DNA position 500, C replaced by A.
Protein change: p.Ala167Glu; replaces alanine 167 with glutamic acid.
Molecular consequence: missense variant. On other transcripts: 5 prime UTR variant (3), intron variant (1).
Genome position (GRCh38, 1-based): chr11:688,348, G>T on the plus strand (C>A on the coding strand, the complement: DEAF1 is on the minus strand). VCF-style: chr11-688348-G-T. GRCh37 (hg19) VCF-style: chr11-688348-G-T.
Other names: c.500C>A, p.Ala167Glu (NM_001293634.2, NM_001440883.1, NM_001440884.1); c.-227C>A (NM_001367390.1, NM_001440886.1, NM_001440887.1); c.-209-291C>A (NM_001440885.1); short protein forms A167E.
Identifiers: ClinVar variation 5037135 (VCV005037135.1).

ClinVar aggregate classification (germline): Uncertain significance (1 of 4 stars; one submission).

Submission:

GeneDx
Classification: Uncertain significance. Last evaluated: 2026-04-16. Review status: criteria provided, single submitter. Criteria: GeneDx Variant Classification Process June 2021. Collection method: clinical testing. Allele origin: germline.
Comment: Not observed at significant frequency in large population cohorts (gnomAD); In silico analysis suggests that this missense variant does not alter protein structure/function; Has not been previously published as pathogenic or benign to our knowledge